The following is an entry in ClinVar:

ClinVar aggregate classification (germline): Benign (3 of 4 stars; one submission).

Conditions:
Breast-ovarian cancer, familial, susceptibility to, 1 (BROVCA1). Also called: BRCA1 Hereditary Breast and Ovarian Cancer; OVARIAN CANCER, SUSCEPTIBILITY TO. Identifiers: Orphanet 145, MedGen C2676676, MONDO:0011450, OMIM 604370. Disease mechanism: loss of function.

Submission:

Evidence-based Network for the Interpretation of Germline Mutant Alleles (ENIGMA)
Classification: Benign for Breast-ovarian cancer, familial, susceptibility to, 1. Last evaluated: 2016-09-28. Review status: reviewed by expert panel. Criteria: ENIGMA BRCA1/2 Classification Criteria (2015). Collection method: curation. Allele origin: germline.
Comment: Class 1 not pathogenic based on frequency >1% in an outbred sampleset. Frequency 0.3131 (European), 0.677 (African), 0.3674 (Admixed American/Latino), 0.3492 (East Asian), 0.4877 (South Asian), derived from 1000 genomes (2013-05-02).

NM_007294.4(BRCA1):c.134+1335dup

Gene: BRCA1 (BRCA1 DNA repair associated; minus strand). Cytogenetic location: 17q21.31.
Variant type: Duplication.
Coding change: c.134+1335dup on transcript NM_007294.4 (MANE Select); 1335 bases into the intron after coding-DNA position 134, one base duplicated (A; older notation c.134+1335dupA).
Molecular consequence: intron variant.
Genome position (GRCh38, 1-based): chr17:43,114,391, T duplicated on the plus strand (A on the coding strand, the reverse complement: BRCA1 is on the minus strand); the first of 16 consecutive T bases (chr17:43,114,391-43,114,406); duplicating any one gives the same sequence. VCF-style (leftmost placement, unchanged base first): chr17-43114390-C-CT. GRCh37 (hg19) VCF-style: chr17-41266407-C-CT.
Other names: c.-8+1335dup (NM_001408458.1, NM_001408470.1, NM_001407848.1 and 47 more transcripts); c.-219+10886dup (NM_001407967.1); c.-169-9435dup (NM_001407959.1, NM_001407963.1); c.-7-7858dup (NM_001407931.1, NM_001407747.1, NM_001408461.1 and 28 more transcripts); c.-170+1335dup (NM_001407962.1, NM_001408512.1, NM_001408510.1 and 1 more transcripts); c.-55+1335dup (NM_001407885.1, NM_001407886.1, NM_001408509.1 and 52 more transcripts); c.-124+1335dup (NM_001407746.1, NM_001408468.1, NM_001407842.1 and 13 more transcripts); c.134+1335dup (NM_001407686.1, NM_001408397.1, NM_001407632.1 and 191 more transcripts); and 8 more.
Identifiers: ClinVar variation 264777 (VCV000264777.2), dbSNP rs35851659, ClinGen allele CA10588254.